The following is an entry in ClinVar:

NM_000051.4(ATM):c.7322T>C (p.Val2441Ala)

Genes: ATM (ATM serine/threonine kinase; plus strand), C11orf65 (chromosome 11 open reading frame 65; minus strand). Cytogenetic location: 11q22.3.
Variant type: single nucleotide variant.
Coding change: c.7322T>C on transcript NM_000051.4 (MANE Select); coding-DNA position 7322, T replaced by C.
Protein change: p.Val2441Ala; replaces valine 2441 with alanine.
Molecular consequence: missense variant. On other transcripts: intron variant (2).
Genome position (GRCh38, 1-based): chr11:108,330,228, T>C. VCF-style: chr11-108330228-T-C. GRCh37 (hg19) VCF-style: chr11-108200955-T-C.
Other names: c.7322T>C, p.Val2441Ala (NM_001351834.2); c.641-21157A>G (NM_001330368.2); c.*38+4992A>G (NM_001351110.2); short protein forms V2441A.
Identifiers: ClinVar variation 230782 (VCV000230782.18), dbSNP rs765548443, ClinGen allele CA6266099.
Genomic context (GRCh38, chr11:108,330,228, plus strand): 5'-TTAAAGTTCATGGCTTTTGTGTTTTACCTTAATTATTCTATGCAAGATACACAGTAAAGG[T>C]TCAGCGAGAGCTGGAGTTGGATGAATTAGCCCTGCGTGCACTGAAAGAGGATCGTAAACG-3'
Protein context (NP_000042.3, residues 2431-2451): KIQTNRYTVK[Val2441Ala]QRELELDELA

ClinVar aggregate classification (germline): Uncertain significance. Review status: criteria provided, multiple submitters, no conflicts (2 of 4 stars). 5 submissions from 5 submitters: Uncertain significance (4). 1 of the submissions does not count toward it. Last evaluated 2025-12-16.

Conditions:
Hereditary cancer-predisposing syndrome. Also called: Neoplastic Syndromes, Hereditary; Hereditary neoplastic syndrome; Tumor predisposition; Hereditary Cancer Syndrome. Identifiers: Orphanet 140162, MedGen C0027672, MeSH D009386, MONDO:0015356.
Ataxia-telangiectasia syndrome (AT). Also called: Ataxia telangiectasia (A-T); Cerebello-oculocutaneous telangiectasia; Immunodeficiency with ataxia telangiectasia; LOUIS-BAR SYNDROME; AT, COMPLEMENTATION GROUP C; ATAXIA-TELANGIECTASIA, FRESNO VARIANT. Identifiers: Orphanet 100, MedGen C0004135, MONDO:0008840, OMIM 208900.

Allele frequency attached by ClinVar (database versions not stated): gnomAD exomes below 0.00001; TOPMed below 0.00001; ExAC 0.00001; gnomAD 0.00001.
gnomAD v4.1: 4 of 1,614,014 alleles (0.00025%); highest among the groups gnomAD compares: South Asian, 0.0011%; no homozygotes.

Submissions (5):

Labcorp Genetics (formerly Invitae), Labcorp
Classification: Uncertain significance for Ataxia-telangiectasia syndrome. Last evaluated: 2025-12-16. Review status: criteria provided, single submitter. Criteria: Invitae Variant Classification Sherloc (09022015). Collection method: clinical testing. Allele origin: germline.
Comment: This sequence change replaces valine, which is neutral and non-polar, with alanine, which is neutral and non-polar, at codon 2441 of the ATM protein (p.Val2441Ala). This variant is present in population databases (rs765548443, gnomAD 0.0009%). This variant has not been reported in the literature in individuals affected with ATM-related conditions. ClinVar contains an entry for this variant (Variation ID: 230782). Invitae Evidence Modeling of protein sequence and biophysical properties (such as structural, functional, and spatial information, amino acid conservation, physicochemical variation, residue mobility, and thermodynamic stability) has been performed for this missense variant. However, the output from this modeling did not meet the statistical confidence thresholds required to predict the impact of this variant on ATM protein function. In summary, the available evidence is currently insufficient to determine the role of this variant in disease. Therefore, it has been classified as a Variant of Uncertain Significance.

Quest Diagnostics Nichols Institute San Juan Capistrano
Classification: Uncertain significance. Last evaluated: 2025-09-10. Review status: criteria provided, single submitter. Criteria: Quest Diagnostics criteria. Collection method: clinical testing. Allele origin: unknown.

Ambry Genetics
Classification: Uncertain significance for Hereditary cancer-predisposing syndrome. Last evaluated: 2025-02-04. Review status: criteria provided, single submitter. Criteria: Ambry Variant Classification Scheme 2023. Collection method: clinical testing. Allele origin: germline.
Comment: The p.V2441A variant (also known as c.7322T>C), located in coding exon 49 of the ATM gene, results from a T to C substitution at nucleotide position 7322. The valine at codon 2441 is replaced by alanine, an amino acid with similar properties. This amino acid position is highly conserved in available vertebrate species. In addition, the in silico prediction for this alteration is inconclusive. Based on the available evidence, the clinical significance of this variant remains unclear.

Color Diagnostics, LLC DBA Color Health
Classification: Uncertain significance for Hereditary cancer-predisposing syndrome. Last evaluated: 2024-03-06. Review status: criteria provided, single submitter. Criteria: ACMG Guidelines, 2015. Collection method: clinical testing. Allele origin: germline.
Comment: This missense variant replaces valine with alanine at codon 2441 of the ATM protein. Computational prediction is inconclusive regarding the impact of this variant on protein structure and function (internally defined REVEL score threshold 0.5 < inconclusive < 0.7, PMID: 27666373). Splice site prediction tools suggest that this variant may not impact RNA splicing. To our knowledge, functional studies have not been reported for this variant. This variant has not been reported in individuals affected with hereditary cancer in the literature. This variant has been identified in 1/251076 chromosomes in the general population by the Genome Aggregation Database (gnomAD). The available evidence is insufficient to determine the role of this variant in disease conclusively. Therefore, this variant is classified as a Variant of Uncertain Significance.

Natera, Inc.
Classification: Uncertain significance for Ataxia-telangiectasia. Last evaluated: 2020-09-16. Review status: no assertion criteria provided. Collection method: clinical testing. Allele origin: germline. Not counted in ClinVar's aggregate classification.